The following is an entry in ClinVar:

NM_033026.6(PCLO):c.9597T>G (p.Ser3199Arg)

Gene: PCLO (piccolo presynaptic cytomatrix protein; minus strand). Cytogenetic location: 7q21.11.
Variant type: single nucleotide variant.
Coding change: c.9597T>G on transcript NM_033026.6 (MANE Select); coding-DNA position 9597, T replaced by G.
Protein change: p.Ser3199Arg; replaces serine 3199 with arginine.
Molecular consequence: missense variant.
Genome position (GRCh38, 1-based): chr7:82,950,991, A>C on the plus strand (T>G on the coding strand, the complement: PCLO is on the minus strand). VCF-style: chr7-82950991-A-C. GRCh37 (hg19) VCF-style: chr7-82580307-A-C.
Other names: c.9597T>G, p.Ser3199Arg (NM_014510.3); c.9597T>G (NM_033026.5); short protein forms S3199R.
Identifiers: ClinVar variation 1421565 (VCV001421565.6), dbSNP rs771052877, ClinGen allele CA4319888.
Genomic context (GRCh38, chr7:82,950,991, plus strand): 5'-CTCACGCTCCAAGTCTAGCTGCTGCTGTTGTTTATCTTCTTCAGGGACAATTAAAAGAGC[A>C]CTTTCATCTCCCACCACTTCAGGAAACACTTCGGATGCTGTGGTTAAAGTGGGAACAGAG-3'
Protein context (NP_149015.2, residues 3189-3209): EVFPEVVGDE[Ser3199Arg]ALLIVPEEDK

ClinVar aggregate classification (germline): Uncertain significance. Review status: criteria provided, multiple submitters, no conflicts (2 of 4 stars). 2 submissions from 2 submitters: Uncertain significance (2). Last evaluated 2023-05-25.

Conditions:
Inborn genetic diseases. Identifiers: MedGen C0950123, MeSH D030342.

Allele frequency attached by ClinVar (database versions not stated): ExAC 0.00002; gnomAD exomes 0.00002 and 0.00004; TOPMed 0.00002; gnomAD 0.00005.
gnomAD v4.1: 29 of 1,613,724 alleles (0.0018%); highest among the groups gnomAD compares: Non-Finnish European, 0.0024%; no homozygotes.

Submissions (2):

Ambry Genetics
Classification: Uncertain significance for Inborn genetic diseases. Last evaluated: 2023-05-25. Review status: criteria provided, single submitter. Criteria: Ambry Variant Classification Scheme 2023. Collection method: clinical testing. Allele origin: germline.

Labcorp Genetics (formerly Invitae), Labcorp
Classification: Uncertain significance. Last evaluated: 2021-08-26. Review status: criteria provided, single submitter. Criteria: Invitae Variant Classification Sherloc (09022015). Collection method: clinical testing. Allele origin: germline.
Comment: This sequence change replaces serine with arginine at codon 3199 of the PCLO protein (p.Ser3199Arg). The serine residue is moderately conserved and there is a moderate physicochemical difference between serine and arginine. This variant is present in population databases (rs771052877, ExAC 0.003%). This variant has not been reported in the literature in individuals affected with PCLO-related conditions. Algorithms developed to predict the effect of missense changes on protein structure and function are either unavailable or do not agree on the potential impact of this missense change (SIFT: "Deleterious"; PolyPhen-2: "Not Available"; Align-GVGD: "Class C0"). In summary, the available evidence is currently insufficient to determine the role of this variant in disease. Therefore, it has been classified as a Variant of Uncertain Significance.